The following is an entry in ClinVar:

NM_001384732.1(CPLANE1):c.8050G>A (p.Ala2684Thr)

Gene: CPLANE1 (ciliogenesis and planar polarity effector complex subunit 1; minus strand). Cytogenetic location: 5p13.2.
Variant type: single nucleotide variant.
Coding change: c.8050G>A on transcript NM_001384732.1 (MANE Select); coding-DNA position 8050, G replaced by A.
Protein change: p.Ala2684Thr; replaces alanine 2684 with threonine.
Molecular consequence: missense variant. On other transcripts: intron variant (1).
Genome position (GRCh38, 1-based): chr5:37,157,382, C>T on the plus strand (G>A on the coding strand, the complement: CPLANE1 is on the minus strand). VCF-style: chr5-37157382-C-T. GRCh37 (hg19) VCF-style: chr5-37157484-C-T.
Other names: CPLANE1, ALA1564THR (rs111294855); A1564T; c.7957+288G>A (NM_023073.4); short protein forms A2684T.
Identifiers: ClinVar variation 31224 (VCV000031224.33), dbSNP rs111294855, ClinGen allele CA344567.
Genomic context (GRCh38, chr5:37,157,382, plus strand): 5'-GCTGTATGTCTGATGGTGTAGGTGAGGTGACACTAGGCTCCTTCACTTCTGTAATGCCTG[C>T]TCTCAAGCTTTTTCCATCCAGACAAGCTGGAGTTACTTCTGCAGGTTTAGAAAATAAATC-3'
Protein context (NP_001371661.1, residues 2674-2694): PACLDGKSLR[Ala2684Thr]GITEVKEPSV

ClinVar aggregate classification (germline): Conflicting classifications of pathogenicity. Review status: criteria provided, conflicting classifications (1 of 4 stars). 4 submissions from 4 submitters: Uncertain significance (1); Likely benign (1). 2 of the submissions do not count toward it. Last evaluated 2026-07-01.

Conditions:
Joubert syndrome 17 (JBTS17). Identifiers: Orphanet 475, MedGen C3553264, MONDO:0013824, OMIM 614615.

Allele frequency attached by ClinVar (database versions not stated): 1000 Genomes Project 0.00060; ExAC 0.00202; TOPMed 0.00185; gnomAD 0.00212 and 0.00205; 1000 Genomes Project 30x 0.00078; gnomAD exomes 0.00304 and 0.00202; ESP Exome Variant Server 0.00262.
gnomAD v4.1: 4,095 of 1,420,500 alleles (0.29%); highest among the groups gnomAD compares: Non-Finnish European, 0.36%; 11 homozygotes.

Submissions (4):

CeGaT Center for Human Genetics Tuebingen
Classification: Likely benign. Last evaluated: 2026-07-01. Review status: criteria provided, single submitter. Criteria: CeGaT Center For Human Genetics Tuebingen Variant Classification Criteria Version 2. Collection method: clinical testing. Allele origin: germline. Affected: yes. Observed: 14 variant alleles.
Comment: CPLANE1: BS2

Genetic Services Laboratory, University of Chicago
Classification: Uncertain significance for Joubert syndrome 17. Last evaluated: 2013-05-31. Review status: criteria provided, single submitter. Criteria: ACMG Guidelines, 2007. Collection method: clinical testing. Allele origin: germline. Inheritance: Autosomal recessive inheritance.

OMIM
Classification: Uncertain significance for VARIANT OF UNKNOWN SIGNIFICANCE. Last evaluated: 2012-04-06. Review status: no assertion criteria provided. Collection method: literature only. Allele origin: germline. Not counted in ClinVar's aggregate classification.

GeneReviews
Classification: Pathogenic for Joubert Syndrome and Related Disorders. Last evaluated: 2012-03-29. Review status: no assertion criteria provided. Collection method: curation. Allele origin: unknown. Not counted in ClinVar's aggregate classification.
ClinVar note: Converted during submission from pathologic to Pathogenic.

Literature cited by the submitters: PubMed 22425360 (cited by OMIM).